The following is an entry in ClinVar:

ClinVar aggregate classification (germline): Uncertain significance (1 of 4 stars; one submission).

Conditions:
Epilepsy, childhood absence, susceptibility to, 1. Also called: Epilepsy, childhood absence 1. Identifiers: Orphanet 64280, MedGen C1838604, MONDO:0020759, OMIM 600131.
Epilepsy, childhood absence, susceptibility to, 5. Identifiers: Orphanet 64280, MedGen C2677087, MONDO:0012843, OMIM 612269.

Submission:

Labcorp Genetics (formerly Invitae), Labcorp
Classification: Uncertain significance for Epilepsy, childhood absence, susceptibility to, 5; Epilepsy, childhood absence, susceptibility to, 1. Last evaluated: 2021-07-04. Review status: criteria provided, single submitter. Criteria: Invitae Variant Classification Sherloc (09022015). Collection method: clinical testing. Allele origin: germline.
Comment: This sequence change replaces threonine with alanine at codon 227 of the GABRB3 protein (p.Thr227Ala). The threonine residue is highly conserved and there is a small physicochemical difference between threonine and alanine. This variant is not present in population databases (ExAC no frequency). This variant has not been reported in the literature in individuals with GABRB3-related conditions. Advanced modeling of protein sequence and biophysical properties (such as structural, functional, and spatial information, amino acid conservation, physicochemical variation, residue mobility, and thermodynamic stability) performed at Invitae indicates that this missense variant is expected to disrupt GABRB3 protein function. In summary, the available evidence is currently insufficient to determine the role of this variant in disease. Therefore, it has been classified as a Variant of Uncertain Significance.

NM_000814.6(GABRB3):c.679A>G (p.Thr227Ala)

Gene: GABRB3 (gamma-aminobutyric acid type A receptor subunit beta3; minus strand). Cytogenetic location: 15q12.
Variant type: single nucleotide variant.
Coding change: c.679A>G on transcript NM_000814.6 (MANE Select); coding-DNA position 679, A replaced by G.
Protein change: p.Thr227Ala; replaces threonine 227 with alanine.
Molecular consequence: missense variant.
Genome position (GRCh38, 1-based): chr15:26,580,322, T>C on the plus strand (A>G on the coding strand, the complement: GABRB3 is on the minus strand). VCF-style: chr15-26580322-T-C. GRCh37 (hg19) VCF-style: chr15-26825469-T-C.
Other names: c.424A>G, p.Thr142Ala (NM_001191320.2, NM_001278631.2); c.466A>G, p.Thr156Ala (NM_001191321.3); c.679A>G, p.Thr227Ala (NM_021912.5); short protein forms T156A, T227A, T142A.
Identifiers: ClinVar variation 1038058 (VCV001038058.8), dbSNP rs1890741727, ClinGen allele CA391463891.